The following is an entry in ClinVar:

ClinVar aggregate classification (germline): Uncertain significance. Review status: criteria provided, multiple submitters, no conflicts (2 of 4 stars). 2 submissions from 2 submitters: Uncertain significance (2). Last evaluated 2024-05-06.

Allele frequency attached by ClinVar (database versions not stated): gnomAD exomes 0.00001; ExAC 0.00002; gnomAD 0.00004; TOPMed 0.00004; ESP Exome Variant Server 0.00008.
gnomAD v4.1: 11 of 1,613,808 alleles (0.00068%); highest among the groups gnomAD compares: African/African-American, 0.008%; no homozygotes.

Submissions (2):

Labcorp Genetics (formerly Invitae), Labcorp
Classification: Uncertain significance. Last evaluated: 2024-05-06. Review status: criteria provided, single submitter. Criteria: Invitae Variant Classification Sherloc (09022015). Collection method: clinical testing. Allele origin: germline.
Comment: This sequence change replaces isoleucine, which is neutral and non-polar, with threonine, which is neutral and polar, at codon 154 of the SLC30A7 protein (p.Ile154Thr). This variant is present in population databases (rs376713179, gnomAD 0.02%). This variant has not been reported in the literature in individuals affected with SLC30A7-related conditions. ClinVar contains an entry for this variant (Variation ID: 2467730). An algorithm developed to predict the effect of missense changes on protein structure and function (PolyPhen-2) suggests that this variant is likely to be tolerated. In summary, the available evidence is currently insufficient to determine the role of this variant in disease. Therefore, it has been classified as a Variant of Uncertain Significance.

Ambry Genetics
Classification: Uncertain significance. Last evaluated: 2023-02-22. Review status: criteria provided, single submitter. Criteria: Ambry Variant Classification Scheme 2023. Collection method: clinical testing. Allele origin: germline.

NM_133496.5(SLC30A7):c.461T>C (p.Ile154Thr)

Gene: SLC30A7 (solute carrier family 30 member 7; plus strand). Cytogenetic location: 1p21.2.
Variant type: single nucleotide variant.
Coding change: c.461T>C on transcript NM_133496.5 (MANE Select); coding-DNA position 461, T replaced by C.
Protein change: p.Ile154Thr; replaces isoleucine 154 with threonine.
Molecular consequence: missense variant.
Genome position (GRCh38, 1-based): chr1:100,912,188, T>C. VCF-style: chr1-100912188-T-C. GRCh37 (hg19) VCF-style: chr1-101377744-T-C.
Other names: c.461T>C, p.Ile154Thr (NM_001144884.2); short protein forms I154T.
Identifiers: ClinVar variation 2467730 (VCV002467730.4), dbSNP rs376713179, ClinGen allele CA972088.
Genomic context (GRCh38, chr1:100,912,188, plus strand): 5'-CAGATGTCCACCATGAGAGACTGCTTCTTGTTTCCATTCTTGGGTTTGTGGTAAACCTAA[T>C]AGGAATATTTGTTTTCAAACATGGAGGTCATGGACATTCTCATGGCTCTGGTATGATGGT-3'
Protein context (NP_598003.2, residues 144-164): VSILGFVVNL[Ile154Thr]GIFVFKHGGH